The following is an entry in ClinVar:

ClinVar aggregate classification (germline): Benign (1 of 4 stars; one submission).

Conditions:
Birt-Hogg-Dube syndrome 1 (BHD1). Also called: FIBROFOLLICULOMAS WITH TRICHODISCOMAS AND ACROCHORDONS. Identifiers: Orphanet 122, MedGen CN375946, MONDO:0800445, OMIM 135150.

gnomAD v4.1: 1 of 1,614,238 alleles (0.000062%); highest among the groups gnomAD compares: East Asian, 0.0022%; no homozygotes.

Submission:

Myriad Genetics, Inc.
Classification: Benign for Birt-Hogg-Dube syndrome 1. Last evaluated: 2024-10-28. Review status: criteria provided, single submitter. Criteria: Myriad Autosomal Dominant, Autosomal Recessive and X-Linked Classification Criteria (2023). Collection method: clinical testing. Allele origin: unknown.
Comment: This variant is considered benign. This variant is a silent/synonymous amino acid change and it is not expected to impact splicing.

NM_144997.7(FLCN):c.1650G>T (p.Leu550=)

Gene: FLCN (folliculin; minus strand). Cytogenetic location: 17p11.2.
Variant type: single nucleotide variant.
Coding change: c.1650G>T on transcript NM_144997.7 (MANE Select); coding-DNA position 1650, G replaced by T.
Protein change: p.Leu550=; no amino-acid change (leucine 550 retained).
Molecular consequence: synonymous variant.
Genome position (GRCh38, 1-based): chr17:17,213,745, C>A on the plus strand (G>T on the coding strand, the complement: FLCN is on the minus strand). VCF-style: chr17-17213745-C-A. GRCh37 (hg19) VCF-style: chr17-17117059-C-A.
Other names: c.1704G>T, p.Leu568= (NM_001353229.2); c.1650G>T, p.Leu550= (NM_001353230.2, NM_001353231.2).
Identifiers: ClinVar variation 3773481 (VCV003773481.1).